The following is an entry in ClinVar:

NM_024411.5(PDYN):c.104A>G (p.Asp35Gly)

Genes: PDYN (prodynorphin; minus strand), PDYN-AS1 (PDYN antisense RNA 1; plus strand). Cytogenetic location: 20p13.
Variant type: single nucleotide variant.
Coding change: c.104A>G on transcript NM_024411.5 (MANE Select); coding-DNA position 104, A replaced by G.
Protein change: p.Asp35Gly; replaces aspartic acid 35 with glycine.
Molecular consequence: missense variant.
Genome position (GRCh38, 1-based): chr20:1,982,981, T>C on the plus strand (A>G on the coding strand, the complement: PDYN is on the minus strand). VCF-style: chr20-1982981-T-C. GRCh37 (hg19) VCF-style: chr20-1963627-T-C.
Other names: c.104A>G, p.Asp35Gly (NM_001190892.1, NM_001190898.3, NM_001190899.2 and 1 more transcripts); short protein forms D35G.
Identifiers: ClinVar variation 1995925 (VCV001995925.4), dbSNP rs2514350514, ClinGen allele CA408004830.

ClinVar aggregate classification (germline): Uncertain significance (1 of 4 stars; one submission).

Allele frequency attached by ClinVar (database versions not stated): gnomAD exomes below 0.00001.

Submission:

Labcorp Genetics (formerly Invitae), Labcorp
Classification: Uncertain significance. Last evaluated: 2022-09-18. Review status: criteria provided, single submitter. Criteria: Invitae Variant Classification Sherloc (09022015). Collection method: clinical testing. Allele origin: germline.
Comment: In summary, the available evidence is currently insufficient to determine the role of this variant in disease. Therefore, it has been classified as a Variant of Uncertain Significance. Algorithms developed to predict the effect of sequence changes on RNA splicing suggest that this variant may disrupt the consensus splice site. Algorithms developed to predict the effect of missense changes on protein structure and function output the following: SIFT: "Deleterious"; PolyPhen-2: "Benign"; Align-GVGD: "Class C0". The glycine amino acid residue is found in multiple mammalian species, which suggests that this missense change does not adversely affect protein function. This variant has not been reported in the literature in individuals affected with PDYN-related conditions. This variant is not present in population databases (gnomAD no frequency). This sequence change replaces aspartic acid, which is acidic and polar, with glycine, which is neutral and non-polar, at codon 35 of the PDYN protein (p.Asp35Gly).